The following is an entry in ClinVar:

ClinVar aggregate classification (germline): Uncertain significance. Review status: criteria provided, single submitter (1 of 4 stars). 2 submissions from 2 submitters: Uncertain significance (1). 1 of the submissions does not count toward it. Last evaluated 2021-06-01.

Conditions:
BBS4-related disorder. Also called: BBS4-related condition.

gnomAD v4.1: 1 of 1,614,168 alleles (0.000062%); highest among the groups gnomAD compares: Non-Finnish European, 0.000085%; no homozygotes.

Submissions (2):

Blueprint Genetics
Classification: Uncertain significance. Last evaluated: 2021-06-01. Review status: criteria provided, single submitter. Criteria: ACMG Guidelines, 2015. Collection method: clinical testing. Allele origin: germline.

PreventionGenetics, part of Exact Sciences
Classification: Uncertain significance for BBS4-related condition. Last evaluated: 2024-03-12. Review status: no assertion criteria provided. Collection method: clinical testing. Allele origin: germline. Not counted in ClinVar's aggregate classification.
Comment: The BBS4 c.833T>A variant is predicted to result in the amino acid substitution p.Met278Lys. To our knowledge, this variant has not been reported in the literature or in a large population database, indicating this variant is rare. At this time, the clinical significance of this variant is uncertain due to the absence of conclusive functional and genetic evidence.

NM_033028.5(BBS4):c.833T>A (p.Met278Lys)

Gene: BBS4 (Bardet-Biedl syndrome 4; plus strand). Cytogenetic location: 15q24.1.
Variant type: single nucleotide variant.
Coding change: c.833T>A on transcript NM_033028.5 (MANE Select); coding-DNA position 833, T replaced by A.
Protein change: p.Met278Lys; replaces methionine 278 with lysine.
Molecular consequence: missense variant. On other transcripts: non-coding transcript variant (2).
Genome position (GRCh38, 1-based): chr15:72,731,426, T>A. VCF-style: chr15-72731426-T-A. GRCh37 (hg19) VCF-style: chr15-73023767-T-A.
Other names: c.317T>A, p.Met106Lys (NM_001252678.2); c.764T>A, p.Met255Lys (NM_001320665.2); short protein forms M106K, M255K, M278K.
Identifiers: ClinVar variation 3358640 (VCV003358640.2).